The following is an entry in ClinVar:

NM_006182.4(DDR2):c.2162A>G (p.Asn721Ser)

Gene: DDR2 (discoidin domain receptor tyrosine kinase 2; plus strand). Cytogenetic location: 1q23.3.
Variant type: single nucleotide variant.
Coding change: c.2162A>G on transcript NM_006182.4 (MANE Select); coding-DNA position 2162, A replaced by G.
Protein change: p.Asn721Ser; replaces asparagine 721 with serine.
Molecular consequence: missense variant.
Genome position (GRCh38, 1-based): chr1:162,776,249, A>G. VCF-style: chr1-162776249-A-G. GRCh37 (hg19) VCF-style: chr1-162746039-A-G.
Other names: c.2162A>G, p.Asn721Ser (NM_001014796.3, NM_001354982.2, NM_001354983.2); c.2162A>G (NM_006182.2); short protein forms N721S.
Identifiers: ClinVar variation 1397822 (VCV001397822.8), dbSNP rs531373389, ClinGen allele CA1217735.

ClinVar aggregate classification (germline): Uncertain significance. Review status: criteria provided, multiple submitters, no conflicts (2 of 4 stars). 3 submissions from 3 submitters: Uncertain significance (3). Last evaluated 2026-01-14.

Conditions:
Inborn genetic diseases. Identifiers: MedGen C0950123, MeSH D030342.
Spondyloepimetaphyseal dysplasia-short limb-abnormal calcification syndrome (SMED-SL). Also called: SMED, TYPE II; SMED-SL/AC; Spondylometaepiphyseal dysplasia, short limb-hand type; SMED short limb-hand type; SMED type 2; Spondylometaepiphyseal dysplasia short limb-abnormal calcification type. Identifiers: Orphanet 93358, MedGen C1849011, MONDO:0010077, OMIM 271665.
Warburg-cinotti syndrome. Identifiers: MedGen C5193019, MONDO:0032579, OMIM 618175.

Allele frequency attached by ClinVar (database versions not stated): gnomAD 0.00002 and 0.00003; gnomAD exomes 0.00003 and 0.00014; ExAC 0.00007; TOPMed 0.00007.
gnomAD v4.1: 45 of 1,613,934 alleles (0.0028%); highest among the groups gnomAD compares: Admixed American, 0.07%; 1 homozygote.

Submissions (3):

Labcorp Genetics (formerly Invitae), Labcorp
Classification: Uncertain significance. Last evaluated: 2026-01-14. Review status: criteria provided, single submitter. Criteria: Invitae Variant Classification Sherloc (09022015). Collection method: clinical testing. Allele origin: germline.
Comment: This sequence change replaces asparagine, which is neutral and polar, with serine, which is neutral and polar, at codon 721 of the DDR2 protein (p.Asn721Ser). This variant is present in population databases (rs531373389, gnomAD 0.1%), including at least one homozygous and/or hemizygous individual. This variant has not been reported in the literature in individuals affected with DDR2-related conditions. ClinVar contains an entry for this variant (Variation ID: 1397822). An algorithm developed to predict the effect of missense changes on protein structure and function (PolyPhen-2) suggests that this variant is likely to be tolerated. In summary, the available evidence is currently insufficient to determine the role of this variant in disease. Therefore, it has been classified as a Variant of Uncertain Significance.

Ambry Genetics
Classification: Uncertain significance for Inborn genetic diseases. Last evaluated: 2024-07-26. Review status: criteria provided, single submitter. Criteria: Ambry Variant Classification Scheme 2023. Collection method: clinical testing. Allele origin: germline.

Fulgent Genetics
Classification: Uncertain significance for Spondyloepimetaphyseal dysplasia-short limb-abnormal calcification syndrome; Warburg-cinotti syndrome. Last evaluated: 2021-08-16. Review status: criteria provided, single submitter. Criteria: ACMG Guidelines, 2015. Collection method: clinical testing. Allele origin: unknown.